The following is an entry in ClinVar:

ClinVar aggregate classification (germline): Likely pathogenic (1 of 4 stars; one submission).

Conditions:
Rubinstein-Taybi syndrome (RSTS). Identifiers: Orphanet 783, MedGen C0035934, MONDO:0019188.

Submission:

Labcorp Genetics (formerly Invitae), Labcorp
Classification: Likely pathogenic for Rubinstein-Taybi syndrome. Last evaluated: 2021-04-23. Review status: criteria provided, single submitter. Criteria: Invitae Variant Classification Sherloc (09022015). Collection method: clinical testing. Allele origin: germline.
Comment: This variant has been observed in individual(s) with Rubinstein-Taybi syndrome (Invitae). This variant is not present in population databases (ExAC no frequency). This sequence change affects an acceptor splice site in intron 26 of the CREBBP gene. It is expected to disrupt RNA splicing. Variants that disrupt the donor or acceptor splice site typically lead to a loss of protein function (PMID: 16199547), and loss-of-function variants in CREBBP are known to be pathogenic (PMID: 17052327, 18792986). Algorithms developed to predict the effect of sequence changes on RNA splicing suggest that this variant may disrupt the consensus splice site, but this prediction has not been confirmed by published transcriptional studies. In summary, the currently available evidence indicates that the variant is pathogenic, but additional data are needed to prove that conclusively. Therefore, this variant has been classified as Likely Pathogenic.

Literature cited by the submitters: PubMed 16199547; PubMed 17052327; PubMed 18792986.

NM_004380.3(CREBBP):c.4395-2A>C

Gene: CREBBP (CREB binding lysine acetyltransferase; minus strand). Cytogenetic location: 16p13.3.
Variant type: single nucleotide variant.
Coding change: c.4395-2A>C on transcript NM_004380.3 (MANE Select); the canonical splice acceptor site of the intron before coding-DNA position 4395, A replaced by C.
Molecular consequence: splice acceptor variant.
Genome position (GRCh38, 1-based): chr16:3,736,817, T>G on the plus strand (A>C on the coding strand, the complement: CREBBP is on the minus strand). VCF-style: chr16-3736817-T-G. GRCh37 (hg19) VCF-style: chr16-3786818-T-G.
Other names: c.4281-2A>C (NM_001079846.1).
Identifiers: ClinVar variation 1501396 (VCV001501396.8), dbSNP rs2151330226, ClinGen allele CA394564058.